The following is an entry in ClinVar:

ClinVar aggregate classification (germline): Uncertain significance (1 of 4 stars; one submission).

Submission:

Labcorp Genetics (formerly Invitae), Labcorp
Classification: Uncertain significance. Last evaluated: 2022-11-15. Review status: criteria provided, single submitter. Criteria: Invitae Variant Classification Sherloc (09022015). Collection method: clinical testing. Allele origin: germline.
Comment: In summary, the available evidence is currently insufficient to determine the role of this variant in disease. Therefore, it has been classified as a Variant of Uncertain Significance. Algorithms developed to predict the effect of missense changes on protein structure and function are either unavailable or do not agree on the potential impact of this missense change (SIFT: "Deleterious"; PolyPhen-2: "Probably Damaging"; Align-GVGD: "Class C0"). This variant has not been reported in the literature in individuals affected with MICAL1-related conditions. This variant is not present in population databases (gnomAD no frequency). This sequence change replaces arginine, which is basic and polar, with glycine, which is neutral and non-polar, at codon 252 of the MICAL1 protein (p.Arg252Gly).

NM_022765.4(MICAL1):c.697C>G (p.Arg233Gly)

Gene: MICAL1 (microtubule associated monooxygenase, calponin and LIM domain containing 1; minus strand). Cytogenetic location: 6q21.
Variant type: single nucleotide variant.
Coding change: c.697C>G on transcript NM_022765.4 (MANE Select); coding-DNA position 697, C replaced by G.
Protein change: p.Arg233Gly; replaces arginine 233 with glycine.
Molecular consequence: missense variant.
Genome position (GRCh38, 1-based): chr6:109,452,381, G>C on the plus strand (C>G on the coding strand, the complement: MICAL1 is on the minus strand). VCF-style: chr6-109452381-G-C. GRCh37 (hg19) VCF-style: chr6-109773584-G-C.
Other names: c.697C>G, p.Arg233Gly (NM_001159291.2); c.754C>G, p.Arg252Gly (NM_001286613.2); short protein forms R233G, R252G.
Identifiers: ClinVar variation 2797958 (VCV002797958.3), dbSNP rs375429113, ClinGen allele CA365232750.